The following is an entry in ClinVar:

NM_201384.3(PLEC):c.8898G>T (p.Gln2966His)

Gene: PLEC (plectin; minus strand). Cytogenetic location: 8q24.3.
Variant type: single nucleotide variant.
Coding change: c.8898G>T on transcript NM_201384.3 (MANE Select); coding-DNA position 8898, G replaced by T.
Protein change: p.Gln2966His; replaces glutamine 2966 with histidine.
Molecular consequence: missense variant.
Genome position (GRCh38, 1-based): chr8:143,920,923, C>A on the plus strand (G>T on the coding strand, the complement: PLEC is on the minus strand). VCF-style: chr8-143920923-C-A. GRCh37 (hg19) VCF-style: chr8-144995091-C-A.
Other names: c.8979G>T, p.Gln2993His (NM_000445.5); c.8856G>T, p.Gln2952His (NM_201378.4); c.8832G>T, p.Gln2944His (NM_201379.3); c.9309G>T, p.Gln3103His (NM_201380.4); c.8802G>T, p.Gln2934His (NM_201381.3); c.8898G>T, p.Gln2966His (NM_201382.4); c.8910G>T, p.Gln2970His (NM_201383.3); short protein forms Q2970H, Q2993H, Q3103H, Q2944H, Q2952H, Q2934H, Q2966H.
Identifiers: ClinVar variation 571255 (VCV000571255.8), dbSNP rs1460695341, ClinGen allele CA372514975.

ClinVar aggregate classification (germline): Uncertain significance (1 of 4 stars; one submission).

Conditions:
Epidermolysis bullosa simplex 5C, with pyloric atresia (EBS5C). Also called: PLEC-Related Epidermolysis Bullosa with Pyloric Atresia; Epidermolysis bullosa simplex with pyloric atresia; PLEC1-Related Epidermolysis Bullosa with Pyloric Atresia. Identifiers: Orphanet 158684, MedGen C2677349, MONDO:0012807, OMIM 612138.
Epidermolysis bullosa simplex with nail dystrophy (EBS5D). Identifiers: MedGen C4225309, MONDO:0014661, OMIM 616487.
Epidermolysis bullosa simplex 5B, with muscular dystrophy (EBS5B). Also called: Epidermolysis bullosa simplex with muscular dystrophy; EPIDERMOLYSIS BULLOSA SIMPLEX AND LIMB-GIRDLE MUSCULAR DYSTROPHY. Identifiers: Orphanet 257, MedGen C2931072, MONDO:0009181, OMIM 226670.
Autosomal recessive limb-girdle muscular dystrophy type 2Q (LGMDR17). Also called: MUSCULAR DYSTROPHY, LIMB-GIRDLE, AUTOSOMAL RECESSIVE 17. Identifiers: Orphanet 254361, MedGen C3150989, MONDO:0013390, OMIM 613723.
Epidermolysis bullosa simplex, Ogna type (EBS5A). Also called: Pidermolysis bullosa simplex 5A, Ogna type; EPIDERMOLYSIS BULLOSA SIMPLEX 5A, OGNA TYPE. Identifiers: Orphanet 79401, MedGen C0432317, MONDO:0007555, OMIM 131950.

Allele frequency attached by ClinVar (database versions not stated): gnomAD exomes below 0.00001; TOPMed below 0.00001; gnomAD 0.00001.
gnomAD v4.1: 5 of 1,612,636 alleles (0.00031%); highest among the groups gnomAD compares: Non-Finnish European, 0.00042%; no homozygotes.

Submission:

Labcorp Genetics (formerly Invitae), Labcorp
Classification: Uncertain significance for Autosomal recessive limb-girdle muscular dystrophy type 2Q; Epidermolysis bullosa simplex, Ogna type; Epidermolysis bullosa simplex with nail dystrophy; Epidermolysis bullosa simplex 5C, with pyloric atresia; Epidermolysis bullosa simplex 5B, with muscular dystrophy. Last evaluated: 2019-08-25. Review status: criteria provided, single submitter. Criteria: Invitae Variant Classification Sherloc (09022015). Collection method: clinical testing. Allele origin: germline.
Comment: In summary, the available evidence is currently insufficient to determine the role of this variant in disease. Therefore, it has been classified as a Variant of Uncertain Significance. Algorithms developed to predict the effect of missense changes on protein structure and function output the following: SIFT: "Tolerated"; PolyPhen-2: "Benign"; Align-GVGD: "Class C0". The histidine amino acid residue is found in multiple mammalian species, suggesting that this missense change does not adversely affect protein function. These predictions have not been confirmed by published functional studies and their clinical significance is uncertain. This variant has not been reported in the literature in individuals with PLEC-related disease. This variant is not present in population databases (ExAC no frequency). This sequence change replaces glutamine with histidine at codon 2993 of the PLEC protein (p.Gln2993His). The glutamine residue is weakly conserved and there is a small physicochemical difference between glutamine and histidine.